The following is an entry in ClinVar:

ClinVar aggregate classification (germline): Likely benign. Review status: criteria provided, multiple submitters, no conflicts (2 of 4 stars). 2 submissions from 2 submitters: Likely benign (2). Last evaluated 2024-08-28.

Conditions:
Familial cancer of breast. Also called: Hereditary breast cancer; hereditary breast carcinoma; BREAST CANCER, FAMILIAL. Identifiers: Orphanet 227535, MedGen C0346153, MONDO:0016419, OMIM 114480. Disease mechanism: loss of function.

Submissions (2):

Myriad Genetics, Inc.
Classification: Likely benign for Familial cancer of breast. Last evaluated: 2024-08-28. Review status: criteria provided, single submitter. Criteria: Myriad Autosomal Dominant, Autosomal Recessive and X-Linked Classification Criteria (2023). Collection method: clinical testing. Allele origin: unknown.
Comment: This variant is considered likely benign. This variant is intronic and is not expected to impact mRNA splicing.

GeneDx
Classification: Likely benign. Last evaluated: 2016-10-27. Review status: criteria provided, single submitter. Criteria: GeneDx Variant Classification (06012015). Collection method: clinical testing. Allele origin: germline. Affected: yes.
Comment: This variant is considered likely benign or benign based on one or more of the following criteria: it is a conservative change, it occurs at a poorly conserved position in the protein, it is predicted to be benign by multiple in silico algorithms, and/or has population frequency not consistent with disease.

NM_032043.3(BRIP1):c.1629-14T>C

Gene: BRIP1 (BRCA1 interacting DNA helicase 1; minus strand). Cytogenetic location: 17q23.2.
Variant type: single nucleotide variant.
Coding change: c.1629-14T>C on transcript NM_032043.3 (MANE Select); 14 bases into the intron before coding-DNA position 1629, T replaced by C.
Molecular consequence: intron variant.
Genome position (GRCh38, 1-based): chr17:61,781,019, A>G on the plus strand (T>C on the coding strand, the complement: BRIP1 is on the minus strand). VCF-style: chr17-61781019-A-G. GRCh37 (hg19) VCF-style: chr17-59858380-A-G.
Identifiers: ClinVar variation 390599 (VCV000390599.2), dbSNP rs1057523831, ClinGen allele CA16607417.